The following is an entry in ClinVar:

ClinVar aggregate classification (germline): Likely benign. Review status: criteria provided, multiple submitters, no conflicts (2 of 4 stars). 3 submissions from 3 submitters: Likely benign (2). 1 of the submissions does not count toward it. Last evaluated 2025-05-26.

Conditions:
RYR1-related disorder. Also called: RYR1-related condition; RYR1-related disorders. Identifiers: MedGen CN239331.
Malignant hyperthermia, susceptibility to, 1 (MHS1). Also called: Malignant hyperthermia suceptibility 1; RYR1-Related Malignant Hyperthermia Susceptibility; Anesthesia related hyperthermia; Malignant hyperpyrexia; Fulminating hyperpyrexia; Pharmacogenic myopathy. Identifiers: Orphanet 423, MedGen C2930980, MONDO:0007783, OMIM 145600.

Allele frequency attached by ClinVar (database versions not stated): gnomAD exomes below 0.00001.
gnomAD v4.1: 3 of 1,614,076 alleles (0.00019%); highest among the groups gnomAD compares: South Asian, 0.0011%; no homozygotes.

Submissions (3):

Labcorp Genetics (formerly Invitae), Labcorp
Classification: Likely benign for RYR1-related disorder. Last evaluated: 2025-05-26. Review status: criteria provided, single submitter. Criteria: Invitae Variant Classification Sherloc (09022015). Collection method: clinical testing. Allele origin: germline.

All of Us Research Program, National Institutes of Health
Classification: Likely benign for Malignant hyperthermia, susceptibility to, 1. Last evaluated: 2023-12-13. Review status: criteria provided, single submitter. Criteria: ACMG Guidelines, 2015. Collection method: clinical testing. Allele origin: germline. Inheritance: Autosomal dominant inheritance. Observed: 1 variant allele, 1 heterozygote.
Comment: This study involves interpretation of variants in research participants for the purpose of population health screening. Participant phenotype was not available at the time of variant classification. Additional details can be found in publication PMID: 35346344, PMCID: PMC8962531

PreventionGenetics, part of Exact Sciences
Classification: Likely benign for RYR1-related condition. Last evaluated: 2019-09-23. Review status: no assertion criteria provided. Collection method: clinical testing. Allele origin: germline. Not counted in ClinVar's aggregate classification.
Comment: This variant is classified as likely benign based on ACMG/AMP sequence variant interpretation guidelines (Richards et al. 2015 PMID: 25741868, with internal and published modifications).

NM_000540.3(RYR1):c.489C>T (p.Arg163=)

Gene: RYR1 (ryanodine receptor 1; plus strand). Cytogenetic location: 19q13.2.
Variant type: single nucleotide variant.
Coding change: c.489C>T on transcript NM_000540.3 (MANE Select); coding-DNA position 489, C replaced by T.
Protein change: p.Arg163=; no amino-acid change (arginine 163 retained).
Molecular consequence: synonymous variant.
Genome position (GRCh38, 1-based): chr19:38,444,213, C>T. VCF-style: chr19-38444213-C-T. GRCh37 (hg19) VCF-style: chr19-38934853-C-T.
Other names: c.489C>T, p.Arg163= (NM_001042723.2).
Identifiers: ClinVar variation 762968 (VCV000762968.12), dbSNP rs199855033, ClinGen allele CA308111726.